The following is an entry in ClinVar:

NM_006231.4(POLE):c.6096G>C (p.Gln2032His)

Gene: POLE (DNA polymerase epsilon, catalytic subunit; minus strand). Cytogenetic location: 12q24.33.
Variant type: single nucleotide variant.
Coding change: c.6096G>C on transcript NM_006231.4 (MANE Select); coding-DNA position 6096, G replaced by C.
Protein change: p.Gln2032His; replaces glutamine 2032 with histidine.
Molecular consequence: missense variant.
Genome position (GRCh38, 1-based): chr12:132,632,704, C>G on the plus strand (G>C on the coding strand, the complement: POLE is on the minus strand). VCF-style: chr12-132632704-C-G. GRCh37 (hg19) VCF-style: chr12-133209290-C-G.
Other names: short protein forms Q2032H.
Identifiers: ClinVar variation 1046034 (VCV001046034.8), dbSNP rs903321595, ClinGen allele CA387370470.

ClinVar aggregate classification (germline): Uncertain significance (1 of 4 stars; one submission).

Submission:

Labcorp Genetics (formerly Invitae), Labcorp
Classification: Uncertain significance. Last evaluated: 2022-04-27. Review status: criteria provided, single submitter. Criteria: Invitae Variant Classification Sherloc (09022015). Collection method: clinical testing. Allele origin: germline.
Comment: In summary, the available evidence is currently insufficient to determine the role of this variant in disease. Therefore, it has been classified as a Variant of Uncertain Significance. Algorithms developed to predict the effect of missense changes on protein structure and function are either unavailable or do not agree on the potential impact of this missense change (SIFT: "Deleterious"; PolyPhen-2: "Possibly Damaging"; Align-GVGD: "Class C0"). ClinVar contains an entry for this variant (Variation ID: 1046034). This variant has not been reported in the literature in individuals affected with POLE-related conditions. This variant is not present in population databases (gnomAD no frequency). This sequence change replaces glutamine, which is neutral and polar, with histidine, which is basic and polar, at codon 2032 of the POLE protein (p.Gln2032His).